The following is an entry in ClinVar:

ClinVar aggregate classification (germline): Uncertain significance. Review status: criteria provided, multiple submitters, no conflicts (2 of 4 stars). 4 submissions from 4 submitters: Uncertain significance (4). Last evaluated 2025-08-01.

Conditions:
Familial cancer of breast. Also called: hereditary breast carcinoma; Hereditary breast cancer; BREAST CANCER, FAMILIAL. Identifiers: Orphanet 227535, MedGen C0346153, MONDO:0016419, OMIM 114480. Disease mechanism: loss of function.
Hereditary cancer-predisposing syndrome. Also called: Neoplastic Syndromes, Hereditary; Hereditary Cancer Syndrome; Tumor predisposition; Hereditary neoplastic syndrome. Identifiers: Orphanet 140162, MedGen C0027672, MeSH D009386, MONDO:0015356.

Allele frequency attached by ClinVar (database versions not stated): gnomAD exomes below 0.00001; ExAC 0.00001; gnomAD 0.00003.

Submissions (4):

CeGaT Center for Human Genetics Tuebingen
Classification: Uncertain significance. Last evaluated: 2025-08-01. Review status: criteria provided, single submitter. Criteria: CeGaT Center For Human Genetics Tuebingen Variant Classification Criteria Version 2. Collection method: clinical testing. Allele origin: germline. Affected: yes. Observed: 1 variant allele.
Comment: PALB2: PM2, BP4

Color Diagnostics, LLC DBA Color Health
Classification: Uncertain significance for Hereditary cancer-predisposing syndrome. Last evaluated: 2023-12-05. Review status: criteria provided, single submitter. Criteria: ACMG Guidelines, 2015. Collection method: clinical testing. Allele origin: germline.
Comment: This missense variant replaces lysine with glutamine at codon 149 of the PALB2 protein. Computational prediction suggests that this variant may not impact protein structure and function (internally defined REVEL score threshold <= 0.5, PMID: 27666373). To our knowledge, functional studies have not been reported for this variant. This variant has not been reported in individuals affected with PALB2-related disorders in the literature. This variant has been identified in 2/282742 chromosomes in the general population by the Genome Aggregation Database (gnomAD). The available evidence is insufficient to determine the role of this variant in disease conclusively. Therefore, this variant is classified as a Variant of Uncertain Significance.

Ambry Genetics
Classification: Uncertain significance for Hereditary cancer-predisposing syndrome. Last evaluated: 2023-10-11. Review status: criteria provided, single submitter. Criteria: Ambry Variant Classification Scheme 2023. Collection method: clinical testing. Allele origin: germline.
Comment: The p.K149Q variant (also known as c.445A>C), located in coding exon 4 of the PALB2 gene, results from an A to C substitution at nucleotide position 445. The lysine at codon 149 is replaced by glutamine, an amino acid with similar properties. This amino acid position is not well conserved in available vertebrate species. In addition, this alteration is predicted to be tolerated by in silico analysis. Since supporting evidence is limited at this time, the clinical significance of this alteration remains unclear.

Labcorp Genetics (formerly Invitae), Labcorp
Classification: Uncertain significance for Familial cancer of breast. Last evaluated: 2022-10-12. Review status: criteria provided, single submitter. Criteria: Invitae Variant Classification Sherloc (09022015). Collection method: clinical testing. Allele origin: germline.
Comment: In summary, the available evidence is currently insufficient to determine the role of this variant in disease. Therefore, it has been classified as a Variant of Uncertain Significance. Algorithms developed to predict the effect of missense changes on protein structure and function output the following: SIFT: "Tolerated"; PolyPhen-2: "Benign"; Align-GVGD: "Class C0". The glutamine amino acid residue is found in multiple mammalian species, which suggests that this missense change does not adversely affect protein function. ClinVar contains an entry for this variant (Variation ID: 629857). This variant has not been reported in the literature in individuals affected with PALB2-related conditions. This variant is present in population databases (rs770680919, gnomAD 0.002%). This sequence change replaces lysine, which is basic and polar, with glutamine, which is neutral and polar, at codon 149 of the PALB2 protein (p.Lys149Gln).

NM_024675.4(PALB2):c.445A>C (p.Lys149Gln)

Gene: PALB2 (partner and localizer of BRCA2; minus strand). Cytogenetic location: 16p12.2.
Variant type: single nucleotide variant.
Coding change: c.445A>C on transcript NM_024675.4 (MANE Select); coding-DNA position 445, A replaced by C.
Protein change: p.Lys149Gln; replaces lysine 149 with glutamine.
Molecular consequence: missense variant.
Genome position (GRCh38, 1-based): chr16:23,636,101, T>G on the plus strand (A>C on the coding strand, the complement: PALB2 is on the minus strand). VCF-style: chr16-23636101-T-G. GRCh37 (hg19) VCF-style: chr16-23647422-T-G.
Other names: short protein forms K149Q.
Identifiers: ClinVar variation 629857 (VCV000629857.23), dbSNP rs770680919, ClinGen allele CA7963794.